The following is an entry in ClinVar:

ClinVar aggregate classification (germline): Benign. Review status: criteria provided, multiple submitters, no conflicts (2 of 4 stars). 15 submissions from 15 submitters: Benign (11). 4 of the submissions do not count toward it. Last evaluated 2026-06-23.

Conditions:
FGFR3-related chondrodysplasia. Identifiers: Orphanet 93420, MedGen C5681604, MONDO:0019685.

Allele frequency attached by ClinVar (database versions not stated): gnomAD exomes 0.14996 and 0.15999; ExAC 0.16920; gnomAD 0.20123 and 0.20412; 1000 Genomes Project 30x 0.20362; 1000 Genomes Project 0.20747; TOPMed 0.20916; ESP Exome Variant Server 0.21393.
gnomAD v4.1: 250,566 of 1,612,450 alleles (16%); highest among the groups gnomAD compares: African/African-American, 36%; 21,902 homozygotes.

Submissions (15):

Genomenon, Inc
Classification: Benign for FGFR3-related chondrodysplasia. Last evaluated: 2026-06-23. Review status: criteria provided, single submitter. Criteria: Genomenon Sequence Variant Interpretation Standards - Updated. Collection method: curation. Allele origin: germline. Affected: no.
Comment: FGFR3 p.Asn294= (c.882T>C) is a synonymous variant that retains Asparagine at codon 294. This variant is present at high allele frequency in population databases. We classify FGFR3 p.Asn294= (c.882T>C) as a benign variant.

Women's Health and Genetics/Laboratory Corporation of America, LabCorp
Classification: Benign. Last evaluated: 2026-05-08. Review status: criteria provided, single submitter. Criteria: LabCorp Variant Classification Summary - May 2015. Collection method: clinical testing. Allele origin: germline.

Labcorp Genetics (formerly Invitae), Labcorp
Classification: Benign. Last evaluated: 2026-02-04. Review status: criteria provided, single submitter. Criteria: Invitae Variant Classification Sherloc (09022015). Collection method: clinical testing. Allele origin: germline.

ARUP Laboratories, Molecular Genetics and Genomics, ARUP Laboratories
Classification: Benign. Last evaluated: 2025-07-02. Review status: criteria provided, single submitter. Criteria: ARUP Molecular Germline Variant Investigation Process 2024. Collection method: clinical testing. Allele origin: germline.

Blueprint Genetics
Classification: Benign. Last evaluated: 2024-11-26. Review status: criteria provided, single submitter. Criteria: ACMG Guidelines, 2015. Collection method: clinical testing. Allele origin: germline.

Mayo Clinic Laboratories, Mayo Clinic
Classification: Benign. Last evaluated: 2022-11-10. Review status: criteria provided, single submitter. Criteria: ACMG Guidelines, 2015. Collection method: clinical testing. Allele origin: germline. Observed: 139 variant alleles.

Eurofins Ntd Llc (ga)
Classification: Benign. Last evaluated: 2018-08-28. Review status: criteria provided, single submitter. Criteria: EGL ClinVar v180209 classification definitions. Collection method: clinical testing. Allele origin: germline. Observed: 1 variant allele, 1 homozygote.

Athena Diagnostics
Classification: Benign. Last evaluated: 2018-05-07. Review status: criteria provided, single submitter. Criteria: Athena Diagnostics Criteria. Collection method: clinical testing. Allele origin: germline.

GeneDx
Classification: Benign. Last evaluated: 2016-03-29. Review status: criteria provided, single submitter. Criteria: GeneDx Variant Classification (06012015). Collection method: clinical testing. Allele origin: germline. Affected: yes.
Comment: This variant is considered likely benign or benign based on one or more of the following criteria: it is a conservative change, it occurs at a poorly conserved position in the protein, it is predicted to be benign by multiple in silico algorithms, and/or has population frequency not consistent with disease.

Breakthrough Genomics
Classification: Benign. Review status: criteria provided, single submitter. Criteria: ACMG Guidelines, 2015. Collection method: not provided. Allele origin: germline. Inheritance: Autosomal dominant inheritance. Affected: yes.

PreventionGenetics, part of Exact Sciences
Classification: Benign. Review status: criteria provided, single submitter. Criteria: ACMG Guidelines, 2015. Collection method: clinical testing. Allele origin: germline.

Clinical Genetics DNA and cytogenetics Diagnostics Lab, Erasmus MC, Erasmus Medical Center
Classification: Benign. Review status: no assertion criteria provided. Collection method: clinical testing. Allele origin: germline. Affected: yes. Study: VKGL Data-share Consensus. Not counted in ClinVar's aggregate classification.

Clinical Genetics, Academic Medical Center
Classification: Benign. Review status: no assertion criteria provided. Collection method: clinical testing. Allele origin: germline. Affected: yes. Study: VKGL Data-share Consensus. Not counted in ClinVar's aggregate classification.

Diagnostic Laboratory, Department of Genetics, University Medical Center Groningen
Classification: Benign. Review status: no assertion criteria provided. Collection method: clinical testing. Allele origin: germline. Affected: yes. Study: VKGL Data-share Consensus. Not counted in ClinVar's aggregate classification.

Joint Genome Diagnostic Labs from Nijmegen and Maastricht, Radboudumc and MUMC+
Classification: Benign. Review status: no assertion criteria provided. Collection method: clinical testing. Allele origin: germline. Affected: yes. Study: VKGL Data-share Consensus. Not counted in ClinVar's aggregate classification.

NM_000142.5(FGFR3):c.882T>C (p.Asn294=)

Gene: FGFR3 (fibroblast growth factor receptor 3; plus strand). Cytogenetic location: 4p16.3.
Variant type: single nucleotide variant.
Coding change: c.882T>C on transcript NM_000142.5 (MANE Select); coding-DNA position 882, T replaced by C.
Protein change: p.Asn294=; no amino-acid change (asparagine 294 retained).
Molecular consequence: synonymous variant. On other transcripts: non-coding transcript variant (1).
Genome position (GRCh38, 1-based): chr4:1,801,977, T>C. VCF-style: chr4-1801977-T-C. GRCh37 (hg19) VCF-style: chr4-1803704-T-C.
Other names: p.Asn294=; c.882T>C, p.Asn294= (NM_001163213.2, NM_001354809.2, NM_001354810.2 and 1 more transcripts).
Identifiers: ClinVar variation 255346 (VCV000255346.43), dbSNP rs2234909, ClinGen allele CA2810002.